The following is an entry in ClinVar:

ClinVar aggregate classification (germline): Uncertain significance (1 of 4 stars; one submission).

Conditions:
Alstrom syndrome (ALMS). Identifiers: Orphanet 64, MedGen C0268425, MONDO:0008763, OMIM 203800.

gnomAD v4.1: 9 of 1,614,032 alleles (0.00056%); highest among the groups gnomAD compares: Non-Finnish European, 0.00068%; no homozygotes.

Submission:

Labcorp Genetics (formerly Invitae), Labcorp
Classification: Uncertain significance for Alstrom syndrome. Last evaluated: 2024-12-02. Review status: criteria provided, single submitter. Criteria: Invitae Variant Classification Sherloc (09022015). Collection method: clinical testing. Allele origin: germline.
Comment: This sequence change replaces serine, which is neutral and polar, with alanine, which is neutral and non-polar, at codon 2593 of the ALMS1 protein (p.Ser2593Ala). This variant is present in population databases (no rsID available, gnomAD 0.003%). This variant has not been reported in the literature in individuals affected with ALMS1-related conditions. Experimental studies and prediction algorithms are not available or were not evaluated, and the functional significance of this variant is currently unknown. In summary, the available evidence is currently insufficient to determine the role of this variant in disease. Therefore, it has been classified as a Variant of Uncertain Significance.

NM_001378454.1(ALMS1):c.7774T>G (p.Ser2592Ala)

Gene: ALMS1 (ALMS1 centrosome and basal body associated protein; plus strand). Cytogenetic location: 2p13.1.
Variant type: single nucleotide variant.
Coding change: c.7774T>G on transcript NM_001378454.1 (MANE Select); coding-DNA position 7774, T replaced by G.
Protein change: p.Ser2592Ala; replaces serine 2592 with alanine.
Molecular consequence: missense variant.
Genome position (GRCh38, 1-based): chr2:73,489,733, T>G. VCF-style: chr2-73489733-T-G. GRCh37 (hg19) VCF-style: chr2-73716860-T-G.
Other names: c.7777T>G, p.Ser2593Ala (NM_015120.4); short protein forms S2592A, S2593A.
Identifiers: ClinVar variation 3606525 (VCV003606525.2).
Genomic context (GRCh38, chr2:73,489,733, plus strand): 5'-GCTGTATGTAGTCACATTATTATTGAGAGCCATGAAAAGGGATGTTTCCGGACTCTAACT[T>G]CTGAACATCCACAACTAGATAGACACCCTTGTGCTTTCAGATCTGCTGGACCCTCAGAAA-3'
Protein context (NP_001365383.1, residues 2582-2602): HEKGCFRTLT[Ser2592Ala]EHPQLDRHPC